The following is an entry in ClinVar:

NM_001849.4(COL6A2):c.1018G>C (p.Gly340Arg)

Gene: COL6A2 (collagen type VI alpha 2 chain; plus strand). Cytogenetic location: 21q22.3.
Variant type: single nucleotide variant.
Coding change: c.1018G>C on transcript NM_001849.4 (MANE Select); coding-DNA position 1018, G replaced by C.
Protein change: p.Gly340Arg; replaces glycine 340 with arginine.
Molecular consequence: missense variant.
Genome position (GRCh38, 1-based): chr21:46,117,418, G>C. VCF-style: chr21-46117418-G-C. GRCh37 (hg19) VCF-style: chr21-47537332-G-C.
Other names: c.1018G>C, p.Gly340Arg (NM_058174.3, NM_058175.3); short protein forms G340R.
Identifiers: ClinVar variation 2028460 (VCV002028460.4), dbSNP rs2078489557, ClinGen allele CA410527334.

ClinVar aggregate classification (germline): Uncertain significance (1 of 4 stars; one submission).

Conditions:
Bethlem myopathy 1A. Also called: MYOPATHY, BENIGN CONGENITAL, WITH CONTRACTURES; Bethlem myopathy 1; Bethlem Muscular Dystrophy. Identifiers: Orphanet 610, MedGen CN029274, MONDO:0024530, OMIM 158810.

Submission:

Labcorp Genetics (formerly Invitae), Labcorp
Classification: Uncertain significance for Bethlem myopathy 1A. Last evaluated: 2022-09-01. Review status: criteria provided, single submitter. Criteria: Invitae Variant Classification Sherloc (09022015). Collection method: clinical testing. Allele origin: germline.
Comment: This variant disrupts the triple helix domain of COL6A2. Glycine residues within the Gly-Xaa-Yaa repeats of the triple helix domain are required for the structure and stability of fibrillar collagens (PMID: 7695699, 8218237, 19344236). In COL6A2, missense variants at these glycine residues are significantly enriched in individuals with autosomal dominant disease (PMID: 15689448, 24038877) compared to the general population (ExAC). In summary, the available evidence is currently insufficient to determine the role of this variant in disease. Therefore, it has been classified as a Variant of Uncertain Significance. Advanced modeling of protein sequence and biophysical properties (such as structural, functional, and spatial information, amino acid conservation, physicochemical variation, residue mobility, and thermodynamic stability) performed at Invitae indicates that this missense variant is expected to disrupt COL6A2 protein function. This variant has not been reported in the literature in individuals affected with COL6A2-related conditions. This variant is not present in population databases (gnomAD no frequency). This sequence change replaces glycine, which is neutral and non-polar, with arginine, which is basic and polar, at codon 340 of the COL6A2 protein (p.Gly340Arg).

Literature cited by the submitters: PubMed 7695699; PubMed 8218237; PubMed 19344236; PubMed 15689448; PubMed 24038877.